The following is an entry in ClinVar:

ClinVar aggregate classification (germline): Pathogenic. Review status: criteria provided, multiple submitters, no conflicts (2 of 4 stars). 3 submissions from 3 submitters: Pathogenic (3). Last evaluated 2025-09-30.

Conditions:
Hereditary cancer-predisposing syndrome. Also called: Neoplastic Syndromes, Hereditary; Hereditary Cancer Syndrome; Hereditary neoplastic syndrome; Tumor predisposition. Identifiers: Orphanet 140162, MedGen C0027672, MeSH D009386, MONDO:0015356.
Familial cancer of breast. Also called: BREAST CANCER, FAMILIAL; Hereditary breast cancer; hereditary breast carcinoma. Identifiers: Orphanet 227535, MedGen C0346153, MONDO:0016419, OMIM 114480. Disease mechanism: loss of function.

Allele frequency attached by ClinVar (database versions not stated): gnomAD exomes below 0.00001 and 0.00001; ExAC 0.00001.

Submissions (3):

Labcorp Genetics (formerly Invitae), Labcorp
Classification: Pathogenic for Familial cancer of breast. Last evaluated: 2025-09-30. Review status: criteria provided, single submitter. Criteria: Invitae Variant Classification Sherloc (09022015). Collection method: clinical testing. Allele origin: germline.
Comment: This sequence change creates a premature translational stop signal (p.Leu193Lysfs*4) in the CHEK2 gene. It is expected to result in an absent or disrupted protein product. Loss-of-function variants in CHEK2 are known to be pathogenic (PMID: 21876083, 24713400). This variant is present in population databases (rs775167943, gnomAD 0.006%). This variant has not been reported in the literature in individuals affected with CHEK2-related conditions. ClinVar contains an entry for this variant (Variation ID: 460844). For these reasons, this variant has been classified as Pathogenic.

Ambry Genetics
Classification: Pathogenic for Hereditary cancer-predisposing syndrome. Last evaluated: 2024-12-30. Review status: criteria provided, single submitter. Criteria: Ambry Variant Classification Scheme 2023. Collection method: clinical testing. Allele origin: germline.
Comment: The c.577_578delCT pathogenic mutation, located in coding exon 3 of the CHEK2 gene, results from a deletion of two nucleotides at nucleotide positions 577 to 578, causing a translational frameshift with a predicted alternate stop codon (p.L193Kfs*4). This alteration is expected to result in loss of function by premature protein truncation or nonsense-mediated mRNA decay. As such, this alteration is interpreted as a disease-causing mutation.

Myriad Genetics, Inc.
Classification: Pathogenic for Familial cancer of breast. Last evaluated: 2023-06-26. Review status: criteria provided, single submitter. Criteria: Myriad Autosomal Dominant, Autosomal Recessive and X-Linked Classification Criteria (2023). Collection method: clinical testing. Allele origin: unknown.
Comment: This variant is considered pathogenic. This variant creates a frameshift predicted to result in premature protein truncation.

Literature cited by the submitters: PubMed 21876083 (cited by Labcorp Genetics (formerly Invitae), Labcorp); PubMed 24713400 (cited by Labcorp Genetics (formerly Invitae), Labcorp).

NM_007194.4(CHEK2):c.577_578del (p.Leu193fs)

Gene: CHEK2 (checkpoint kinase 2; minus strand). Cytogenetic location: 22q12.1.
Variant type: Deletion.
Coding change: c.577_578del on transcript NM_007194.4 (MANE Select); coding-DNA positions 577 to 578, 2 bases deleted (CT; older notation c.577_578delCT).
Protein change: p.Leu193fs; shifts the reading frame from leucine 193.
Molecular consequence: frameshift variant. On other transcripts: 5 prime UTR variant (2), intron variant (1).
Genome position (GRCh38, 1-based): chr22:28,724,991-28,724,992, AG deleted on the plus strand (CT on the coding strand, the reverse complement: CHEK2 is on the minus strand). VCF-style (leftmost placement, unchanged base first): chr22-28724990-TAG-T. GRCh37 (hg19) VCF-style: chr22-29120978-TAG-T.
Other names: c.577_578del (NM_007194.3); c.706_707del, p.Leu236fs (NM_001005735.3, NM_001438294.1); c.-201_-200del (NM_001257387.3); c.-87_-86del (NM_001437942.1); c.670_671del, p.Leu224fs (NM_001438293.1, NM_001438295.1); c.577_578del, p.Leu193fs (NM_145862.3); c.445-69_445-68del (NM_001349956.3); short protein forms L193fs, L236fs, L224fs.
Identifiers: ClinVar variation 460844 (VCV000460844.14), dbSNP rs775167943, ClinGen allele CA10167978.